The following is an entry in ClinVar:

ClinVar aggregate classification (germline): Uncertain significance (1 of 4 stars; one submission).

Submission:

Labcorp Genetics (formerly Invitae), Labcorp
Classification: Uncertain significance. Last evaluated: 2022-06-27. Review status: criteria provided, single submitter. Criteria: Invitae Variant Classification Sherloc (09022015). Collection method: clinical testing. Allele origin: germline.
Comment: This sequence change replaces cysteine, which is neutral and slightly polar, with serine, which is neutral and polar, at codon 104 of the C8orf37 protein (p.Cys104Ser). This variant is not present in population databases (gnomAD no frequency). This variant has not been reported in the literature in individuals affected with C8orf37-related conditions. Algorithms developed to predict the effect of missense changes on protein structure and function (SIFT, PolyPhen-2, Align-GVGD) all suggest that this variant is likely to be disruptive. In summary, the available evidence is currently insufficient to determine the role of this variant in disease. Therefore, it has been classified as a Variant of Uncertain Significance.

NM_177965.4(CFAP418):c.311G>C (p.Cys104Ser)

Gene: CFAP418 (cilia and flagella associated protein 418; minus strand). Cytogenetic location: 8q22.1.
Variant type: single nucleotide variant.
Coding change: c.311G>C on transcript NM_177965.4 (MANE Select); coding-DNA position 311, G replaced by C.
Protein change: p.Cys104Ser; replaces cysteine 104 with serine.
Molecular consequence: missense variant.
Genome position (GRCh38, 1-based): chr8:95,259,903, C>G on the plus strand (G>C on the coding strand, the complement: CFAP418 is on the minus strand). VCF-style: chr8-95259903-C-G. GRCh37 (hg19) VCF-style: chr8-96272131-C-G.
Other names: c.311G>C, p.Cys104Ser (NM_001363260.1); short protein forms C104S.
Identifiers: ClinVar variation 2011267 (VCV002011267.4), dbSNP rs2537145873, ClinGen allele CA371838794.